The following is an entry in ClinVar:

ClinVar aggregate classification (germline): Uncertain significance (1 of 4 stars; one submission).

Conditions:
Inborn genetic diseases. Identifiers: MedGen C0950123, MeSH D030342.

gnomAD v4.1: 9 of 1,614,012 alleles (0.00056%); highest among the groups gnomAD compares: Non-Finnish European, 0.00076%; no homozygotes.

Submission:

Ambry Genetics
Classification: Uncertain significance for Inborn genetic diseases. Last evaluated: 2025-02-12. Review status: criteria provided, single submitter. Criteria: Ambry Variant Classification Scheme 2023. Collection method: clinical testing. Allele origin: germline.
Comment: The p.G695V variant (also known as c.2084G>T), located in coding exon 12 of the BMPR2 gene, results from a G to T substitution at nucleotide position 2084. The glycine at codon 695 is replaced by valine, an amino acid with dissimilar properties. This amino acid position is conserved. In addition, the in silico prediction for this alteration is inconclusive. Based on the available evidence, the clinical significance of this variant remains unclear.

NM_001204.7(BMPR2):c.2084G>T (p.Gly695Val)

Gene: BMPR2 (bone morphogenetic protein receptor type 2; plus strand). Cytogenetic location: 2q33.2.
Variant type: single nucleotide variant.
Coding change: c.2084G>T on transcript NM_001204.7 (MANE Select); coding-DNA position 2084, G replaced by T.
Protein change: p.Gly695Val; replaces glycine 695 with valine.
Molecular consequence: missense variant.
Genome position (GRCh38, 1-based): chr2:202,555,749, G>T. VCF-style: chr2-202555749-G-T. GRCh37 (hg19) VCF-style: chr2-203420472-G-T.
Other names: short protein forms G695V.
Identifiers: ClinVar variation 3824903 (VCV003824903.1).